The following is an entry in ClinVar:

NM_004380.3(CREBBP):c.6414C>G (p.Ser2138Arg)

Gene: CREBBP (CREB binding lysine acetyltransferase; minus strand). Cytogenetic location: 16p13.3.
Variant type: single nucleotide variant.
Coding change: c.6414C>G on transcript NM_004380.3 (MANE Select); coding-DNA position 6414, C replaced by G.
Protein change: p.Ser2138Arg; replaces serine 2138 with arginine.
Molecular consequence: missense variant.
Genome position (GRCh38, 1-based): chr16:3,728,633, G>C on the plus strand (C>G on the coding strand, the complement: CREBBP is on the minus strand). VCF-style: chr16-3728633-G-C. GRCh37 (hg19) VCF-style: chr16-3778634-G-C.
Other names: c.6300C>G, p.Ser2100Arg (NM_001079846.1); c.6414C>G (NM_004380.2); short protein forms S2100R, S2138R.
Identifiers: ClinVar variation 2037372 (VCV002037372.7), dbSNP rs756387018, ClinGen allele CA7869119.

ClinVar aggregate classification (germline): Conflicting classifications of pathogenicity. Review status: criteria provided, conflicting classifications (1 of 4 stars). 3 submissions from 3 submitters: Uncertain significance (2); Benign (1). Last evaluated 2026-09-06.

Conditions:
Rubinstein-Taybi syndrome (RSTS). Identifiers: Orphanet 783, MedGen C0035934, MONDO:0019188.
CREBBP-related disorder. Also called: CREBBP-related disorders; CREBBP-related condition.
Inborn genetic diseases. Identifiers: MedGen C0950123, MeSH D030342.

Allele frequency attached by ClinVar (database versions not stated): TOPMed below 0.00001; gnomAD exomes 0.00001; ExAC 0.00002.
gnomAD v4.1: 3 of 1,613,616 alleles (0.00019%); highest among the groups gnomAD compares: Admixed American, 0.005%; no homozygotes.

Submissions (3):

PreventionGenetics, part of Exact Sciences
Classification: Uncertain significance for CREBBP-related condition. Last evaluated: 2026-09-06. Review status: criteria provided, single submitter. Criteria: ACMG Guidelines, 2015. Collection method: clinical testing. Allele origin: germline.
Comment: The CREBBP c.6414C>G variant is predicted to result in the amino acid substitution p.Ser2138Arg. To our knowledge, this variant has not been reported in the literature. This variant is reported in 0.0087% of alleles in individuals of Latino descent in gnomAD. At this time, the clinical significance of this variant is uncertain due to the absence of conclusive functional and genetic evidence.

Labcorp Genetics (formerly Invitae), Labcorp
Classification: Benign for Rubinstein-Taybi syndrome. Last evaluated: 2026-01-23. Review status: criteria provided, single submitter. Criteria: Invitae Variant Classification Sherloc (09022015). Collection method: clinical testing. Allele origin: germline.

Ambry Genetics
Classification: Uncertain significance for Inborn genetic diseases. Last evaluated: 2025-09-22. Review status: criteria provided, single submitter. Criteria: Ambry Variant Classification Scheme 2023. Collection method: clinical testing. Allele origin: germline.
Comment: The c.6414C>G (p.S2138R) alteration is located in exon 31 (coding exon 31) of the CREBBP gene. This alteration results from a C to G substitution at nucleotide position 6414, causing the serine (S) at amino acid position 2138 to be replaced by an arginine (R). Based on data from gnomAD, the G allele has an overall frequency of 0.001% (3/247658) total alleles studied. The highest observed frequency was 0.009% (3/34532) of Latino alleles. Based on insufficient or conflicting evidence, the clinical significance of this alteration remains unclear.